The following is an entry in ClinVar:

NM_177438.3(DICER1):c.2412A>G (p.Ile804Met)

Gene: DICER1 (dicer 1, ribonuclease III; minus strand). Cytogenetic location: 14q32.13.
Variant type: single nucleotide variant.
Coding change: c.2412A>G on transcript NM_177438.3 (MANE Select); coding-DNA position 2412, A replaced by G.
Protein change: p.Ile804Met; replaces isoleucine 804 with methionine.
Molecular consequence: missense variant.
Genome position (GRCh38, 1-based): chr14:95,108,348, T>C on the plus strand (A>G on the coding strand, the complement: DICER1 is on the minus strand). VCF-style: chr14-95108348-T-C. GRCh37 (hg19) VCF-style: chr14-95574685-T-C.
Other names: c.2412A>G, p.Ile804Met (NM_001195573.1, NM_001271282.3, NM_001291628.2 and 1 more transcripts); short protein forms I804M.
Identifiers: ClinVar variation 821141 (VCV000821141.15), dbSNP rs1595381910, ClinGen allele CA390882096.

ClinVar aggregate classification (germline): Uncertain significance. Review status: criteria provided, multiple submitters, no conflicts (2 of 4 stars). 2 submissions from 2 submitters: Uncertain significance (2). Last evaluated 2024-06-10.

Conditions:
DICER1-related tumor predisposition. Also called: DICER1-related pleuropulmonary blastoma cancer predisposition syndrome; DICER1 syndrome. Identifiers: Orphanet 284343, MedGen C3839822, MONDO:0100216.
Hereditary cancer-predisposing syndrome. Also called: Hereditary Cancer Syndrome; Neoplastic Syndromes, Hereditary; Hereditary neoplastic syndrome; Tumor predisposition. Identifiers: Orphanet 140162, MedGen C0027672, MeSH D009386, MONDO:0015356.

gnomAD v4.1: 1 of 1,614,106 alleles (0.000062%); no homozygotes.

Submissions (2):

Ambry Genetics
Classification: Uncertain significance for Hereditary cancer-predisposing syndrome. Last evaluated: 2024-06-10. Review status: criteria provided, single submitter. Criteria: Ambry Variant Classification Scheme 2023. Collection method: clinical testing. Allele origin: germline.
Comment: The p.I804M variant (also known as c.2412A>G), located in coding exon 14 of the DICER1 gene, results from an A to G substitution at nucleotide position 2412. The isoleucine at codon 804 is replaced by methionine, an amino acid with highly similar properties. This amino acid position is highly conserved in available vertebrate species. In addition, this alteration is predicted to be deleterious by in silico analysis. Since supporting evidence is limited at this time, the clinical significance of this alteration remains unclear.

Labcorp Genetics (formerly Invitae), Labcorp
Classification: Uncertain significance for DICER1-related tumor predisposition. Last evaluated: 2022-02-24. Review status: criteria provided, single submitter. Criteria: Invitae Variant Classification Sherloc (09022015). Collection method: clinical testing. Allele origin: germline.
Comment: This sequence change replaces isoleucine, which is neutral and non-polar, with methionine, which is neutral and non-polar, at codon 804 of the DICER1 protein (p.Ile804Met). This variant is not present in population databases (gnomAD no frequency). This variant has not been reported in the literature in individuals affected with DICER1-related conditions. ClinVar contains an entry for this variant (Variation ID: 821141). Algorithms developed to predict the effect of missense changes on protein structure and function are either unavailable or do not agree on the potential impact of this missense change (SIFT: "Deleterious"; PolyPhen-2: "Probably Damaging"; Align-GVGD: "Class C0"). In summary, the available evidence is currently insufficient to determine the role of this variant in disease. Therefore, it has been classified as a Variant of Uncertain Significance.